The following is an entry in ClinVar:

NM_000092.5(COL4A4):c.192+3A>G

Gene: COL4A4 (collagen type IV alpha 4 chain; minus strand). Cytogenetic location: 2q36.3.
Variant type: single nucleotide variant.
Coding change: c.192+3A>G on transcript NM_000092.5 (MANE Select); 3 bases into the intron after coding-DNA position 192, A replaced by G.
Molecular consequence: intron variant.
Genome position (GRCh38, 1-based): chr2:227,140,158, T>C on the plus strand (A>G on the coding strand, the complement: COL4A4 is on the minus strand). VCF-style: chr2-227140158-T-C. GRCh37 (hg19) VCF-style: chr2-228004874-T-C.
Identifiers: ClinVar variation 2030680 (VCV002030680.4), dbSNP rs2476897488, ClinGen allele CA2580065844.

ClinVar aggregate classification (germline): Uncertain significance (1 of 4 stars; one submission).

Submission:

Labcorp Genetics (formerly Invitae), Labcorp
Classification: Uncertain significance. Last evaluated: 2022-09-15. Review status: criteria provided, single submitter. Criteria: Invitae Variant Classification Sherloc (09022015). Collection method: clinical testing. Allele origin: germline.
Comment: This sequence change falls in intron 4 of the COL4A4 gene. It does not directly change the encoded amino acid sequence of the COL4A4 protein. It affects a nucleotide within the consensus splice site. This variant is not present in population databases (gnomAD no frequency). This variant has not been reported in the literature in individuals affected with COL4A4-related conditions. Variants that disrupt the consensus splice site are a relatively common cause of aberrant splicing (PMID: 17576681, 9536098). Algorithms developed to predict the effect of sequence changes on RNA splicing suggest that this variant may disrupt the consensus splice site. In summary, the available evidence is currently insufficient to determine the role of this variant in disease. Therefore, it has been classified as a Variant of Uncertain Significance.

Literature cited by the submitters: PubMed 17576681; PubMed 9536098.